The following is an entry in ClinVar:

NM_000051.4(ATM):c.3741C>T (p.Phe1247=)

Gene: ATM (ATM serine/threonine kinase; plus strand). Cytogenetic location: 11q22.3.
Variant type: single nucleotide variant.
Coding change: c.3741C>T on transcript NM_000051.4 (MANE Select); coding-DNA position 3741, C replaced by T.
Protein change: p.Phe1247=; no amino-acid change (phenylalanine 1247 retained).
Molecular consequence: synonymous variant.
Genome position (GRCh38, 1-based): chr11:108,282,874, C>T. VCF-style: chr11-108282874-C-T. GRCh37 (hg19) VCF-style: chr11-108153601-C-T.
Other names: c.3741C>T, p.Phe1247= (NM_001351834.2).
Identifiers: ClinVar variation 631462 (VCV000631462.14), dbSNP rs780396420, ClinGen allele CA6265337.
Genomic context (GRCh38, chr11:108,282,874, plus strand): 5'-TGAATACAACTTATCTTCTTTTCCTTTTATTTTATTAAACTACACAAATATTGAGGATTT[C>T]TATAGGTAAGTTTATACATGACATATGTGAAATTTGTTTAATTTAAAATTAGTTAACAAT-3'
Protein context (NP_000042.3, residues 1237-1257): ILLNYTNIED[Phe1247=]YRSCYKVLIP

ClinVar aggregate classification (germline): Benign/Likely benign. Review status: criteria provided, multiple submitters, no conflicts (2 of 4 stars). 4 submissions from 4 submitters: Benign (1); Likely benign (3). Last evaluated 2025-10-19.

Conditions:
Hereditary cancer-predisposing syndrome. Also called: Hereditary Cancer Syndrome; Neoplastic Syndromes, Hereditary; Tumor predisposition; Hereditary neoplastic syndrome. Identifiers: Orphanet 140162, MedGen C0027672, MeSH D009386, MONDO:0015356.
Familial cancer of breast. Also called: BREAST CANCER, FAMILIAL; hereditary breast carcinoma; Hereditary breast cancer. Identifiers: Orphanet 227535, MedGen C0346153, MONDO:0016419, OMIM 114480. Disease mechanism: loss of function.
Ataxia-telangiectasia syndrome (AT). Also called: Ataxia-telangiectasia, complementation group D; AT, COMPLEMENTATION GROUP C; Ataxia-telangiectasia; ATAXIA-TELANGIECTASIA, COMPLEMENTATION GROUP A; ATAXIA-TELANGIECTASIA, FRESNO VARIANT; LOUIS-BAR SYNDROME. Identifiers: Orphanet 100, MedGen C0004135, MONDO:0008840, OMIM 208900.

Allele frequency attached by ClinVar (database versions not stated): gnomAD exomes below 0.00001; TOPMed below 0.00001; ExAC 0.00001.
gnomAD v4.1: 1 of 1,483,242 alleles (0.000067%); highest among the groups gnomAD compares: Non-Finnish European, 0.000094%; no homozygotes.

Submissions (4):

Labcorp Genetics (formerly Invitae), Labcorp
Classification: Likely benign for Ataxia-telangiectasia syndrome. Last evaluated: 2025-10-19. Review status: criteria provided, single submitter. Criteria: Invitae Variant Classification Sherloc (09022015). Collection method: clinical testing. Allele origin: germline.

Myriad Genetics, Inc.
Classification: Benign for Familial cancer of breast. Last evaluated: 2024-05-15. Review status: criteria provided, single submitter. Criteria: Myriad Autosomal Dominant, Autosomal Recessive and X-Linked Classification Criteria (2023). Collection method: clinical testing. Allele origin: unknown.
Comment: This variant is considered benign. This variant is a silent/synonymous amino acid change and it is not expected to impact splicing.

Ambry Genetics
Classification: Likely benign for Hereditary cancer-predisposing syndrome. Last evaluated: 2020-06-02. Review status: criteria provided, single submitter. Criteria: Ambry Variant Classification Scheme 2023. Collection method: clinical testing. Allele origin: germline.

Color Diagnostics, LLC DBA Color Health
Classification: Likely benign for Hereditary cancer-predisposing syndrome. Last evaluated: 2017-11-17. Review status: criteria provided, single submitter. Criteria: ACMG Guidelines, 2015. Collection method: clinical testing. Allele origin: germline.